The following is an entry in ClinVar:

NM_000059.4(BRCA2):c.5317G>A (p.Glu1773Lys)

Gene: BRCA2 (BRCA2 DNA repair associated; plus strand). Cytogenetic location: 13q13.1.
Variant type: single nucleotide variant.
Coding change: c.5317G>A on transcript NM_000059.4 (MANE Select); coding-DNA position 5317, G replaced by A.
Protein change: p.Glu1773Lys; replaces glutamic acid 1773 with lysine.
Molecular consequence: missense variant.
Genome position (GRCh38, 1-based): chr13:32,339,672, G>A. VCF-style: chr13-32339672-G-A. GRCh37 (hg19) VCF-style: chr13-32913809-G-A.
Other names: short protein forms E1773K.
Identifiers: ClinVar variation 631248 (VCV000631248.16), dbSNP rs1566232201, ClinGen allele CA387784882.

ClinVar aggregate classification (germline): Conflicting classifications of pathogenicity. Review status: criteria provided, conflicting classifications (1 of 4 stars). 5 submissions from 5 submitters: Uncertain significance (4); Likely benign (1). Last evaluated 2025-06-20.

Conditions:
Hereditary cancer-predisposing syndrome. Also called: Hereditary Cancer Syndrome; Neoplastic Syndromes, Hereditary; Tumor predisposition; Hereditary neoplastic syndrome. Identifiers: Orphanet 140162, MedGen C0027672, MeSH D009386, MONDO:0015356.
Hereditary breast ovarian cancer syndrome. Also called: Hereditary breast and ovarian cancer syndrome; Hereditary breast and ovarian cancer syndrome (HBOC); Hereditary breast and ovarian cancer; Hereditary breast and/or ovarian cancer syndrome; Breast and ovarian cancer; BRCA1- and BRCA2-Associated Hereditary Breast and Ovarian Cancer. Identifiers: Orphanet 145, MedGen C0677776, MeSH D061325, MONDO:0003582. Disease mechanism: loss of function.
Breast-ovarian cancer, familial, susceptibility to, 2 (BROVCA2). Also called: BRCA2 Hereditary Breast and Ovarian Cancer. Identifiers: Orphanet 145, MedGen C2675520, MONDO:0012933, OMIM 612555. Disease mechanism: loss of function.

Submissions (5):

Ambry Genetics
Classification: Uncertain significance for Hereditary cancer-predisposing syndrome. Last evaluated: 2025-06-20. Review status: criteria provided, single submitter. Criteria: Ambry Variant Classification Scheme 2023. Collection method: clinical testing. Allele origin: germline.
Comment: The p.E1773K variant (also known as c.5317G>A), located in coding exon 10 of the BRCA2 gene, results from a G to A substitution at nucleotide position 5317. The glutamic acid at codon 1773 is replaced by lysine, an amino acid with similar properties. This variant was identified in an individual diagnosed with ovarian cancer (John AO et al. Eur J Hum Genet, 2024 Oct;32:1319-1326). This amino acid position is not well conserved in available vertebrate species. In addition, this alteration is predicted to be tolerated by in silico analysis. Based on the available evidence, the clinical significance of this variant remains unclear.

University of Washington Department of Laboratory Medicine, University of Washington
Classification: Likely benign for Hereditary cancer-predisposing syndrome. Last evaluated: 2023-03-23. Review status: criteria provided, single submitter. Criteria: Dines et al. (Genet Med. 2020). Collection method: curation. Allele origin: germline.
Comment: Missense variant in a coldspot region where missense variants are very unlikely to be pathogenic (PMID:31911673).

BRCA2 exon 11 coldspot. Reclassification based on statistical prior probability.

Labcorp Genetics (formerly Invitae), Labcorp
Classification: Uncertain significance for Hereditary breast ovarian cancer syndrome. Last evaluated: 2022-02-27. Review status: criteria provided, single submitter. Criteria: Invitae Variant Classification Sherloc (09022015). Collection method: clinical testing. Allele origin: germline.
Comment: In summary, the available evidence is currently insufficient to determine the role of this variant in disease. Therefore, it has been classified as a Variant of Uncertain Significance. Advanced modeling of protein sequence and biophysical properties (such as structural, functional, and spatial information, amino acid conservation, physicochemical variation, residue mobility, and thermodynamic stability) performed at Invitae indicates that this missense variant is not expected to disrupt BRCA2 protein function. ClinVar contains an entry for this variant (Variation ID: 631248). This variant has not been reported in the literature in individuals affected with BRCA2-related conditions. This variant is not present in population databases (gnomAD no frequency). This sequence change replaces glutamic acid, which is acidic and polar, with lysine, which is basic and polar, at codon 1773 of the BRCA2 protein (p.Glu1773Lys).

Color Diagnostics, LLC DBA Color Health
Classification: Uncertain significance for Hereditary cancer-predisposing syndrome. Last evaluated: 2019-04-15. Review status: criteria provided, single submitter. Criteria: ACMG Guidelines, 2015. Collection method: clinical testing. Allele origin: germline.

Molecular Endocrinology Laboratory, Christian Medical College
Classification: Uncertain significance for Breast-ovarian cancer, familial, susceptibility to, 2. Review status: criteria provided, single submitter. Criteria: ACMG Guidelines, 2015. Collection method: clinical testing. Allele origin: germline. Affected: yes.

Literature cited by the submitters: PubMed 38538877 (cited by Ambry Genetics).